The following is an entry in ClinVar:

NM_001164508.2(NEB):c.7033G>C (p.Glu2345Gln)

Gene: NEB (nebulin; minus strand). Cytogenetic location: 2q23.3.
Variant type: single nucleotide variant.
Coding change: c.7033G>C on transcript NM_001164508.2 (MANE Select); coding-DNA position 7033, G replaced by C.
Protein change: p.Glu2345Gln; replaces glutamic acid 2345 with glutamine.
Molecular consequence: missense variant.
Genome position (GRCh38, 1-based): chr2:151,650,768, C>G on the plus strand (G>C on the coding strand, the complement: NEB is on the minus strand). VCF-style: chr2-151650768-C-G. GRCh37 (hg19) VCF-style: chr2-152507282-C-G.
Other names: c.7033G>C, p.Glu2345Gln (NM_001164507.2, NM_001271208.2, NM_004543.5); short protein forms E2345Q.
Identifiers: ClinVar variation 1719360 (VCV001719360.3), dbSNP rs2552249947, ClinGen allele CA348790452.

ClinVar aggregate classification (germline): Uncertain significance (1 of 4 stars; one submission).

Conditions:
Nemaline myopathy 2 (NEM2). Also called: Nemaline myopathy 2, autosomal recessive. Identifiers: MedGen C1850569, MONDO:0009725, OMIM 256030.

Submission:

Labcorp Genetics (formerly Invitae), Labcorp
Classification: Uncertain significance for Nemaline myopathy 2. Last evaluated: 2022-09-13. Review status: criteria provided, single submitter. Criteria: Invitae Variant Classification Sherloc (09022015). Collection method: clinical testing. Allele origin: germline.
Comment: This sequence change replaces glutamic acid, which is acidic and polar, with glutamine, which is neutral and polar, at codon 2345 of the NEB protein (p.Glu2345Gln). This variant is not present in population databases (gnomAD no frequency). This variant has not been reported in the literature in individuals affected with NEB-related conditions. Algorithms developed to predict the effect of missense changes on protein structure and function are either unavailable or do not agree on the potential impact of this missense change (SIFT: "Deleterious"; PolyPhen-2: "Not Available"; Align-GVGD: "Class C0"). In summary, the available evidence is currently insufficient to determine the role of this variant in disease. Therefore, it has been classified as a Variant of Uncertain Significance.